The following is an entry in ClinVar:

ClinVar aggregate classification (germline): Uncertain significance (1 of 4 stars; one submission).

Conditions:
Duchenne muscular dystrophy (DMD). Also called: Duchenne Muscular Dystrophy (DMD); MUSCULAR DYSTROPHY, PSEUDOHYPERTROPHIC PROGRESSIVE, DUCHENNE TYPE. Identifiers: Orphanet 98896, MedGen C0013264, MONDO:0010679, OMIM 310200.

Submission:

Labcorp Genetics (formerly Invitae), Labcorp
Classification: Uncertain significance for Duchenne muscular dystrophy. Last evaluated: 2022-10-21. Review status: criteria provided, single submitter. Criteria: Invitae Variant Classification Sherloc (09022015). Collection method: clinical testing. Allele origin: germline.
Comment: In summary, the available evidence is currently insufficient to determine the role of this variant in disease. Therefore, it has been classified as a Variant of Uncertain Significance. Experimental studies and prediction algorithms are not available or were not evaluated, and the functional significance of this variant is currently unknown. A similar copy number variant has been observed in individuals with DMD-related conditions (PMID: 18663755, 31705731, 33644936). This variant results in a copy number gain of the genomic region encompassing exon(s) 35-44 of the DMD gene. While the exact position of this variant cannot be determined from the data, sub-genic copy number gains are generally in tandem (PMID: 25640679). This variant is predicted to be in-frame, and likely preserves the integrity of the reading frame.

Literature cited by the submitters: PubMed 18663755; PubMed 31705731; PubMed 33644936; PubMed 25640679.

NC_000023.10:g.(?_32235013)_(32383336_?)dup

Gene: DMD (dystrophin; minus strand). Cytogenetic location: Xp21.1.
Variant type: Duplication.
Identifiers: ClinVar variation 2424967 (VCV002424967.5).